The following is an entry in ClinVar:

ClinVar aggregate classification (germline): Benign. Review status: criteria provided, multiple submitters, no conflicts (2 of 4 stars). 3 submissions from 3 submitters: Benign (2). 1 of the submissions does not count toward it. Last evaluated 2026-02-04.

Conditions:
ITGAM-related disorder. Also called: ITGAM-related condition.

Allele frequency attached by ClinVar (database versions not stated): gnomAD 0.16924 and 0.16943; 1000 Genomes Project 0.16953; 1000 Genomes Project 30x 0.17130; ESP Exome Variant Server 0.16595; ExAC 0.19889; gnomAD exomes 0.15202 and 0.15440; TOPMed 0.16982.
gnomAD v4.1: 247,761 of 1,606,686 alleles (15%); highest among the groups gnomAD compares: Middle Eastern, 25%; 20,752 homozygotes.

Submissions (3):

Labcorp Genetics (formerly Invitae), Labcorp
Classification: Benign. Last evaluated: 2026-02-04. Review status: criteria provided, single submitter. Criteria: Invitae Variant Classification Sherloc (09022015). Collection method: clinical testing. Allele origin: germline.

Breakthrough Genomics
Classification: Benign. Review status: criteria provided, single submitter. Criteria: ACMG Guidelines, 2015. Collection method: not provided. Allele origin: germline. Inheritance: Unknown mechanism. Affected: yes.

PreventionGenetics, part of Exact Sciences
Classification: Benign for ITGAM-related condition. Last evaluated: 2019-11-12. Review status: no assertion criteria provided. Collection method: clinical testing. Allele origin: germline. Not counted in ClinVar's aggregate classification.
Comment: This variant is classified as benign based on ACMG/AMP sequence variant interpretation guidelines (Richards et al. 2015 PMID: 25741868, with internal and published modifications).

NM_000632.4(ITGAM):c.3436C>T (p.Pro1146Ser)

Gene: ITGAM (integrin subunit alpha M; plus strand). Cytogenetic location: 16p11.2.
Variant type: single nucleotide variant.
Coding change: c.3436C>T on transcript NM_000632.4 (MANE Select); coding-DNA position 3436, C replaced by T.
Protein change: p.Pro1146Ser; replaces proline 1146 with serine.
Molecular consequence: missense variant.
Genome position (GRCh38, 1-based): chr16:31,331,684, C>T. VCF-style: chr16-31331684-C-T. GRCh37 (hg19) VCF-style: chr16-31343005-C-T.
Other names: c.3439C>T, p.Pro1147Ser (NM_001145808.2); c.3436C>T (NM_000632.3); short protein forms P1146S, P1147S.
Identifiers: ClinVar variation 1164969 (VCV001164969.12), dbSNP rs1143678, ClinGen allele CA8026247.
Genomic context (GRCh38, chr16:31,331,684, plus strand): 5'-TCTGCCCCGCAGCTCGGCTTCTTCAAGCGGCAATACAAGGACATGATGAGTGAAGGGGGT[C>T]CCCCGGGGGCCGAACCCCAGTAGCGGCTCCTTCCCGACAGAGCTGCCTCTCGGTGGCCAG-3'
Protein context (NP_000623.2, residues 1136-1152): QYKDMMSEGG[Pro1146Ser]PGAEPQ